The following is an entry in ClinVar:

ClinVar aggregate classification (germline): Uncertain significance (1 of 4 stars; one submission).

Submission:

Labcorp Genetics (formerly Invitae), Labcorp
Classification: Uncertain significance. Last evaluated: 2021-06-01. Review status: criteria provided, single submitter. Criteria: Invitae Variant Classification Sherloc (09022015). Collection method: clinical testing. Allele origin: germline.
Comment: This variant is present in population databases (rs756595272, ExAC 0.009%). This sequence change replaces histidine with arginine at codon 422 of the NFATC1 protein (p.His422Arg). The histidine residue is weakly conserved and there is a small physicochemical difference between histidine and arginine. Algorithms developed to predict the effect of missense changes on protein structure and function output the following: SIFT: "Tolerated"; PolyPhen-2: "Benign"; Align-GVGD: "Class C0". The arginine amino acid residue is found in multiple mammalian species, suggesting that this missense change does not adversely affect protein function. These predictions have not been confirmed by published functional studies and their clinical significance is uncertain. This variant has not been reported in the literature in individuals with NFATC1-related conditions. In summary, the available evidence is currently insufficient to determine the role of this variant in disease. Therefore, it has been classified as a Variant of Uncertain Significance.

NM_001278669.2(NFATC1):c.1265A>G (p.His422Arg)

Gene: NFATC1 (nuclear factor of activated T cells 1; plus strand). Cytogenetic location: 18q23.
Variant type: single nucleotide variant.
Coding change: c.1265A>G on transcript NM_001278669.2 (MANE Select); coding-DNA position 1265, A replaced by G.
Protein change: p.His422Arg; replaces histidine 422 with arginine.
Molecular consequence: missense variant. On other transcripts: 5 prime UTR variant (2).
Genome position (GRCh38, 1-based): chr18:79,433,617, A>G. VCF-style: chr18-79433617-A-G. GRCh37 (hg19) VCF-style: chr18-77193617-A-G.
Other names: c.1265A>G, p.His422Arg (NM_001278670.2, NM_006162.5, NM_172390.3); c.1226A>G, p.His409Arg (NM_001278672.2, NM_001278675.2, NM_172387.3 and 1 more transcripts); c.-152A>G (NM_001278673.2, NM_172388.3); short protein forms H409R, H422R.
Identifiers: ClinVar variation 1358345 (VCV001358345.8), dbSNP rs756595272, ClinGen allele CA9009140.